The following is an entry in ClinVar:

NM_001009944.3(PKD1):c.8302G>C (p.Val2768Leu)

Gene: PKD1 (polycystin 1, transient receptor potential channel interacting; minus strand). Cytogenetic location: 16p13.3.
Variant type: single nucleotide variant.
Coding change: c.8302G>C on transcript NM_001009944.3 (MANE Select); coding-DNA position 8302, G replaced by C.
Protein change: p.Val2768Leu; replaces valine 2768 with leucine.
Molecular consequence: missense variant.
Genome position (GRCh38, 1-based): chr16:2,103,755, C>G on the plus strand (G>C on the coding strand, the complement: PKD1 is on the minus strand). VCF-style: chr16-2103755-C-G. GRCh37 (hg19) VCF-style: chr16-2153756-C-G.
Other names: c.8302G>C, p.Val2768Leu (NM_000296.4); short protein forms V2768L.
Identifiers: ClinVar variation 4689865 (VCV004689865.2).

ClinVar aggregate classification (germline): Uncertain significance. Review status: criteria provided, multiple submitters, no conflicts (2 of 4 stars). 2 submissions from 2 submitters: Uncertain significance (2). Last evaluated 2025-07-30.

Submissions (2):

GeneDx
Classification: Uncertain significance. Last evaluated: 2025-07-30. Review status: criteria provided, single submitter. Criteria: GeneDx Variant Classification Process June 2021. Collection method: clinical testing. Allele origin: germline. Affected: yes.
Comment: Not observed at significant frequency in large population cohorts (gnomAD); In silico analysis suggests that this missense variant does not alter protein structure/function; Has not been previously published as pathogenic or benign to our knowledge

Blueprint Genetics
Classification: Uncertain significance. Last evaluated: 2020-12-10. Review status: criteria provided, single submitter. Criteria: ACMG Guidelines, 2015. Collection method: clinical testing. Allele origin: germline.